The following is an entry in ClinVar:

NM_001012720.2(RGR):c.776C>T (p.Thr259Met)

Gene: RGR (retinal G protein coupled receptor; plus strand). Cytogenetic location: 10q23.1.
Variant type: single nucleotide variant.
Coding change: c.776C>T on transcript NM_001012720.2 (MANE Select); coding-DNA position 776, C replaced by T.
Protein change: p.Thr259Met; replaces threonine 259 with methionine.
Molecular consequence: missense variant.
Genome position (GRCh38, 1-based): chr10:84,258,539, C>T. VCF-style: chr10-84258539-C-T. GRCh37 (hg19) VCF-style: chr10-86018295-C-T.
Other names: c.776C>T (NM_001012720.1); c.662C>T, p.Thr221Met (NM_001012722.2); c.788C>T, p.Thr263Met (NM_002921.4); short protein forms T259M, T263M, T221M.
Identifiers: ClinVar variation 1496095 (VCV001496095.7), dbSNP rs772033525, ClinGen allele CA5581587.

ClinVar aggregate classification (germline): Uncertain significance. Review status: criteria provided, multiple submitters, no conflicts (2 of 4 stars). 2 submissions from 2 submitters: Uncertain significance (2). Last evaluated 2025-10-06.

Allele frequency attached by ClinVar (database versions not stated): gnomAD 0.00001; TOPMed 0.00002; ExAC 0.00003; gnomAD exomes 0.00004.
gnomAD v4.1: 75 of 1,614,088 alleles (0.0046%); highest among the groups gnomAD compares: Non-Finnish European, 0.0058%; no homozygotes.

Submissions (2):

Labcorp Genetics (formerly Invitae), Labcorp
Classification: Uncertain significance. Last evaluated: 2025-10-06. Review status: criteria provided, single submitter. Criteria: Invitae Variant Classification Sherloc (09022015). Collection method: clinical testing. Allele origin: germline.
Comment: This sequence change replaces threonine, which is neutral and polar, with methionine, which is neutral and non-polar, at codon 259 of the RGR protein (p.Thr259Met). This variant is present in population databases (rs772033525, gnomAD 0.01%). This variant has not been reported in the literature in individuals affected with RGR-related conditions. ClinVar contains an entry for this variant (Variation ID: 1496095). Experimental studies and prediction algorithms are not available or were not evaluated, and the functional significance of this variant is currently unknown. In summary, the available evidence is currently insufficient to determine the role of this variant in disease. Therefore, it has been classified as a Variant of Uncertain Significance.

Ambry Genetics
Classification: Uncertain significance. Last evaluated: 2025-01-21. Review status: criteria provided, single submitter. Criteria: Ambry Variant Classification Scheme 2023. Collection method: clinical testing. Allele origin: germline.